The following is an entry in ClinVar:

NM_003737.4(DCHS1):c.3184C>T (p.Arg1062Cys)

Gene: DCHS1 (dachsous cadherin-related 1; minus strand). Cytogenetic location: 11p15.4.
Variant type: single nucleotide variant.
Coding change: c.3184C>T on transcript NM_003737.4 (MANE Select); coding-DNA position 3184, C replaced by T.
Protein change: p.Arg1062Cys; replaces arginine 1062 with cysteine.
Molecular consequence: missense variant.
Genome position (GRCh38, 1-based): chr11:6,632,328, G>A on the plus strand (C>T on the coding strand, the complement: DCHS1 is on the minus strand). VCF-style: chr11-6632328-G-A. GRCh37 (hg19) VCF-style: chr11-6653559-G-A.
Other names: short protein forms R1062C.
Identifiers: ClinVar variation 2999729 (VCV002999729.3), dbSNP rs151278380, ClinGen allele CA5860591.
Genomic context (GRCh38, chr11:6,632,328, plus strand): 5'-ACTCAGCTTTGGACCCAGACACTGCCATTACCTTCAGTATGTACAATTCCTGGGCCTCAC[G>A]GTCTAGTGCTGCCCGCACCCATAGCCACCCACTCTGTGGCTCCAGGCCAAAGGGGCTACT-3'
Protein context (NP_003728.1, residues 1052-1072): GWLWVRAALD[Arg1062Cys]EAQELYILKV

ClinVar aggregate classification (germline): Uncertain significance (1 of 4 stars; one submission).

Allele frequency attached by ClinVar (database versions not stated): 1000 Genomes Project 30x 0.00031.
gnomAD v4.1: 7 of 1,613,912 alleles (0.00043%); highest among the groups gnomAD compares: East Asian, 0.0022%; no homozygotes.

Submission:

Labcorp Genetics (formerly Invitae), Labcorp
Classification: Uncertain significance. Last evaluated: 2022-12-12. Review status: criteria provided, single submitter. Criteria: Invitae Variant Classification Sherloc (09022015). Collection method: clinical testing. Allele origin: germline.
Comment: This sequence change replaces arginine, which is basic and polar, with cysteine, which is neutral and slightly polar, at codon 1062 of the DCHS1 protein (p.Arg1062Cys). This variant is present in population databases (rs151278380, gnomAD 0.003%). This variant has not been reported in the literature in individuals affected with DCHS1-related conditions. Advanced modeling of protein sequence and biophysical properties (such as structural, functional, and spatial information, amino acid conservation, physicochemical variation, residue mobility, and thermodynamic stability) performed at Invitae indicates that this missense variant is expected to disrupt DCHS1 protein function. In summary, the available evidence is currently insufficient to determine the role of this variant in disease. Therefore, it has been classified as a Variant of Uncertain Significance.